The following is an entry in ClinVar:

NM_000391.4(TPP1):c.228C>T (p.Tyr76=)

Gene: TPP1 (tripeptidyl peptidase 1; minus strand). Cytogenetic location: 11p15.4.
Variant type: single nucleotide variant.
Coding change: c.228C>T on transcript NM_000391.4 (MANE Select); coding-DNA position 228, C replaced by T.
Protein change: p.Tyr76=; no amino-acid change (tyrosine 76 retained).
Molecular consequence: synonymous variant.
Genome position (GRCh38, 1-based): chr11:6,618,777, G>A on the plus strand (C>T on the coding strand, the complement: TPP1 is on the minus strand). VCF-style: chr11-6618777-G-A. GRCh37 (hg19) VCF-style: chr11-6640008-G-A.
Other names: p.Y76Y:TAC>TAT.
Identifiers: ClinVar variation 207550 (VCV000207550.8), dbSNP rs373318861, ClinGen allele CA319130.
Genomic context (GRCh38, chr11:6,618,777, plus strand): 5'-AACCCAGCCCTGTGTCCCTCCACCGCATCCCACATCCTGTCCTCAGTCCCAAAAGGCACC[G>A]TATTGAGGAGAGCTGGGATCCGACACAGCCTGCACCAGCTCCGAGAGTCTTTCCACATTC-3'
Protein context (NP_000382.3, residues 66-86): QAVSDPSSPQ[Tyr76=]GKYLTLENVA

ClinVar aggregate classification (germline): Conflicting classifications of pathogenicity. Review status: criteria provided, conflicting classifications (1 of 4 stars). 3 submissions from 3 submitters: Uncertain significance (2); Benign (1). Last evaluated 2023-10-11.

Allele frequency attached by ClinVar (database versions not stated): gnomAD exomes 0.00002 and 0.00003; TOPMed 0.00003; ExAC 0.00004; gnomAD 0.00004.
gnomAD v4.1: 50 of 1,613,592 alleles (0.0031%); highest among the groups gnomAD compares: Non-Finnish European, 0.0039%; no homozygotes.

Submissions (3):

Blueprint Genetics
Classification: Uncertain significance. Last evaluated: 2023-10-11. Review status: criteria provided, single submitter. Criteria: ACMG Guidelines, 2015. Collection method: clinical testing. Allele origin: germline.

Labcorp Genetics (formerly Invitae), Labcorp
Classification: Uncertain significance. Last evaluated: 2022-08-23. Review status: criteria provided, single submitter. Criteria: Invitae Variant Classification Sherloc (09022015). Collection method: clinical testing. Allele origin: germline.
Comment: This sequence change affects codon 76 of the TPP1 mRNA. It is a 'silent' change, meaning that it does not change the encoded amino acid sequence of the TPP1 protein. It affects a nucleotide within the consensus splice site. This variant is present in population databases (rs373318861, gnomAD 0.004%). This variant has not been reported in the literature in individuals affected with TPP1-related conditions. ClinVar contains an entry for this variant (Variation ID: 207550). Algorithms developed to predict the effect of sequence changes on RNA splicing suggest that this variant is not likely to affect RNA splicing. In summary, the available evidence is currently insufficient to determine the role of this variant in disease. Therefore, it has been classified as a Variant of Uncertain Significance.

GeneDx
Classification: Benign. Last evaluated: 2015-01-14. Review status: criteria provided, single submitter. Criteria: GeneDx Variant Classification (06012015). Collection method: clinical testing. Allele origin: germline. Affected: yes.
Comment: This variant is considered likely benign or benign based on one or more of the following criteria: it is a conservative change, it occurs at a poorly conserved position in the protein, it is predicted to be benign by multiple in silico algorithms, and/or has population frequency not consistent with disease.